The following is an entry in ClinVar:

ClinVar aggregate classification (germline): Conflicting classifications of pathogenicity. Review status: criteria provided, conflicting classifications (1 of 4 stars). 2 submissions from 2 submitters: Pathogenic (1); Uncertain significance (1). Last evaluated 2022-10-27.

Conditions:
Familial X-linked hypophosphatemic vitamin D refractory rickets (XLHRD). Also called: X-Linked Hypophosphatemia; Hypophosphatemic Rickets, X-Linked Dominant; HYPOPHOSPHATEMIC VITAMIN D-RESISTANT RICKETS; Hypophosphatemia, vitamin D-resistant rickets; Vitamin D-resistant rickets, X-linked. Identifiers: Orphanet 89936, MedGen C0733682, MONDO:0010619, OMIM 307800.

Submissions (2):

Labcorp Genetics (formerly Invitae), Labcorp
Classification: Uncertain significance. Last evaluated: 2022-10-27. Review status: criteria provided, single submitter. Criteria: Invitae Variant Classification Sherloc (09022015). Collection method: clinical testing. Allele origin: germline.
Comment: ClinVar contains an entry for this variant (Variation ID: 438504). Variants that disrupt the consensus splice site are a relatively common cause of aberrant splicing (PMID: 17576681, 9536098). Algorithms developed to predict the effect of sequence changes on RNA splicing suggest that this variant may disrupt the consensus splice site. In summary, the available evidence is currently insufficient to determine the role of this variant in disease. Therefore, it has been classified as a Variant of Uncertain Significance. This sequence change falls in intron 6 of the PHEX gene. It does not directly change the encoded amino acid sequence of the PHEX protein. It affects a nucleotide within the consensus splice site. This variant is not present in population databases (gnomAD no frequency). This variant has been observed in individual(s) with clinical features of hypophosphatemic rickets (Invitae).

Institute of Human Genetics Munich, TUM University Hospital
Classification: Pathogenic for Familial X-linked hypophosphatemic vitamin D refractory rickets. Last evaluated: 2013-10-31. Review status: criteria provided, single submitter. Criteria: Classification criteria August 2017. Collection method: clinical testing. Allele origin: germline. Inheritance: X-linked inheritance. Affected: yes. Observed: 1 hemizygote.

Literature cited by the submitters: PubMed 17576681 (cited by Labcorp Genetics (formerly Invitae), Labcorp); PubMed 9536098 (cited by Labcorp Genetics (formerly Invitae), Labcorp).

NM_000444.6(PHEX):c.732+5G>A

Gene: PHEX (phosphate regulating endopeptidase X-linked; plus strand). Cytogenetic location: Xp22.11.
Variant type: single nucleotide variant.
Coding change: c.732+5G>A on transcript NM_000444.6 (MANE Select); 5 bases into the intron after coding-DNA position 732, G replaced by A.
Molecular consequence: intron variant.
Genome position (GRCh38, 1-based): chrX:22,090,502, G>A. VCF-style: chrX-22090502-G-A. GRCh37 (hg19) VCF-style: chrX-22108620-G-A.
Other names: c.732+5G>A (NM_001282754.2).
Identifiers: ClinVar variation 438504 (VCV000438504.7), dbSNP rs1556023528, ClinGen allele CA645509375.